The following is an entry in ClinVar:

ClinVar aggregate classification (germline): Uncertain significance (1 of 4 stars; one submission).

Submission:

Labcorp Genetics (formerly Invitae), Labcorp
Classification: Uncertain significance. Last evaluated: 2022-10-05. Review status: criteria provided, single submitter. Criteria: Invitae Variant Classification Sherloc (09022015). Collection method: clinical testing. Allele origin: germline.
Comment: In summary, the available evidence is currently insufficient to determine the role of this variant in disease. Therefore, it has been classified as a Variant of Uncertain Significance. Algorithms developed to predict the effect of missense changes on protein structure and function (SIFT, PolyPhen-2, Align-GVGD) all suggest that this variant is likely to be tolerated. This variant has not been reported in the literature in individuals affected with THBD-related conditions. This variant is not present in population databases (gnomAD no frequency). This sequence change replaces glycine, which is neutral and non-polar, with arginine, which is basic and polar, at codon 82 of the THBD protein (p.Gly82Arg).

NM_000361.3(THBD):c.244G>C (p.Gly82Arg)

Gene: THBD (thrombomodulin; minus strand). Cytogenetic location: 20p11.21.
Variant type: single nucleotide variant.
Coding change: c.244G>C on transcript NM_000361.3 (MANE Select); coding-DNA position 244, G replaced by C.
Protein change: p.Gly82Arg; replaces glycine 82 with arginine.
Molecular consequence: missense variant.
Genome position (GRCh38, 1-based): chr20:23,049,261, C>G on the plus strand (G>C on the coding strand, the complement: THBD is on the minus strand). VCF-style: chr20-23049261-C-G. GRCh37 (hg19) VCF-style: chr20-23029898-C-G.
Other names: short protein forms G82R.
Identifiers: ClinVar variation 1717561 (VCV001717561.5), dbSNP rs1600410454, ClinGen allele CA408408092.